The following is an entry in ClinVar:

NM_178822.5(IGSF10):c.1021T>A (p.Ser341Thr)

Gene: IGSF10 (immunoglobulin superfamily member 10; minus strand). Cytogenetic location: 3q25.1.
Variant type: single nucleotide variant.
Coding change: c.1021T>A on transcript NM_178822.5 (MANE Select); coding-DNA position 1021, T replaced by A.
Protein change: p.Ser341Thr; replaces serine 341 with threonine.
Molecular consequence: missense variant.
Genome position (GRCh38, 1-based): chr3:151,448,960, A>T on the plus strand (T>A on the coding strand, the complement: IGSF10 is on the minus strand). VCF-style: chr3-151448960-A-T. GRCh37 (hg19) VCF-style: chr3-151166748-A-T.
Other names: c.1021T>A, p.Ser341Thr (NM_001385060.1, NM_001385061.1, NM_001385062.1 and 1 more transcripts); short protein forms S341T.
Identifiers: ClinVar variation 2964491 (VCV002964491.3), dbSNP rs752470398, ClinGen allele CA2670624.
Genomic context (GRCh38, chr3:151,448,960, plus strand): 5'-ATGTTGAAAATGAAGTATTTAGCACGATGTAGTCATTTTCTTCAGTGAATGCAATGGGTG[A>T]TGTCCTTGAGGGCTTTTGAATACTGCAGACCATGTTAGCTTCATTTCCAGACTGATCTGT-3'
Protein context (NP_849144.2, residues 331-351): VCSIQKPSRT[Ser341Thr]PIAFTEENDY

ClinVar aggregate classification (germline): Uncertain significance (1 of 4 stars; one submission).

Allele frequency attached by ClinVar (database versions not stated): gnomAD exomes below 0.00001; TOPMed below 0.00001; ExAC 0.00001.
gnomAD v4.1: 3 of 1,614,228 alleles (0.00019%); highest among the groups gnomAD compares: Non-Finnish European, 0.00025%; no homozygotes.

Submission:

Labcorp Genetics (formerly Invitae), Labcorp
Classification: Uncertain significance. Last evaluated: 2024-04-29. Review status: criteria provided, single submitter. Criteria: Invitae Variant Classification Sherloc (09022015). Collection method: clinical testing. Allele origin: germline.
Comment: This sequence change replaces serine, which is neutral and polar, with threonine, which is neutral and polar, at codon 341 of the IGSF10 protein (p.Ser341Thr). This variant is present in population databases (rs752470398, gnomAD 0.007%). This variant has not been reported in the literature in individuals affected with IGSF10-related conditions. An algorithm developed to predict the effect of missense changes on protein structure and function (PolyPhen-2) suggests that this variant is likely to be tolerated. In summary, the available evidence is currently insufficient to determine the role of this variant in disease. Therefore, it has been classified as a Variant of Uncertain Significance.